The following is an entry in ClinVar:

NM_002103.5(GYS1):c.425C>T (p.Pro142Leu)

Gene: GYS1 (glycogen synthase 1; minus strand). Cytogenetic location: 19q13.33.
Variant type: single nucleotide variant.
Coding change: c.425C>T on transcript NM_002103.5 (MANE Select); coding-DNA position 425, C replaced by T.
Protein change: p.Pro142Leu; replaces proline 142 with leucine.
Molecular consequence: missense variant. On other transcripts: non-coding transcript variant (1), intron variant (1).
Genome position (GRCh38, 1-based): chr19:48,987,261, G>A on the plus strand (C>T on the coding strand, the complement: GYS1 is on the minus strand). VCF-style: chr19-48987261-G-A. GRCh37 (hg19) VCF-style: chr19-49490518-G-A.
Other names: c.301-1226C>T (NM_001161587.2); short protein forms P142L.
Identifiers: ClinVar variation 941325 (VCV000941325.8), dbSNP rs1045006240, ClinGen allele CA406765930.

ClinVar aggregate classification (germline): Uncertain significance. Review status: criteria provided, multiple submitters, no conflicts (2 of 4 stars). 2 submissions from 2 submitters: Uncertain significance (2). Last evaluated 2022-08-09.

Conditions:
Inborn genetic diseases. Identifiers: MedGen C0950123, MeSH D030342.
Glycogen storage disease due to muscle and heart glycogen synthase deficiency. Also called: GSD 0b; MUSCLE GLYCOGEN SYNTHASE DEFICIENCY. Identifiers: Orphanet 137625, MedGen C1969054, MONDO:0012693, OMIM 611556.

Allele frequency attached by ClinVar (database versions not stated): TOPMed 0.00001; gnomAD exomes 0.00003.
gnomAD v4.1: 19 of 1,613,136 alleles (0.0012%); highest among the groups gnomAD compares: South Asian, 0.0022%; no homozygotes.

Submissions (2):

Labcorp Genetics (formerly Invitae), Labcorp
Classification: Uncertain significance for Glycogen storage disease due to muscle and heart glycogen synthase deficiency. Last evaluated: 2022-08-09. Review status: criteria provided, single submitter. Criteria: Invitae Variant Classification Sherloc (09022015). Collection method: clinical testing. Allele origin: germline.
Comment: In summary, the available evidence is currently insufficient to determine the role of this variant in disease. Therefore, it has been classified as a Variant of Uncertain Significance. Algorithms developed to predict the effect of missense changes on protein structure and function are either unavailable or do not agree on the potential impact of this missense change (SIFT: "Deleterious"; PolyPhen-2: "Benign"; Align-GVGD: "Class C0"). ClinVar contains an entry for this variant (Variation ID: 941325). This variant has not been reported in the literature in individuals affected with GYS1-related conditions. This variant is present in population databases (no rsID available, gnomAD 0.005%). This sequence change replaces proline, which is neutral and non-polar, with leucine, which is neutral and non-polar, at codon 142 of the GYS1 protein (p.Pro142Leu).

Ambry Genetics
Classification: Uncertain significance for Inborn genetic diseases. Last evaluated: 2021-08-30. Review status: criteria provided, single submitter. Criteria: Ambry Variant Classification Scheme 2023. Collection method: clinical testing. Allele origin: germline.